The following is an entry in ClinVar:

ClinVar aggregate classification (germline): Uncertain significance (1 of 4 stars; one submission).

Conditions:
Primary ciliary dyskinesia. Also called: Ciliary dyskinesia. Identifiers: Orphanet 244, MedGen C0008780, MONDO:0016575, HP:0012265.

gnomAD v4.1: 1 of 1,612,292 alleles (0.000062%); highest among the groups gnomAD compares: Non-Finnish European, 0.000085%; no homozygotes.

Submission:

Labcorp Genetics (formerly Invitae), Labcorp
Classification: Uncertain significance for Primary ciliary dyskinesia. Last evaluated: 2023-12-05. Review status: criteria provided, single submitter. Criteria: Invitae Variant Classification Sherloc (09022015). Collection method: clinical testing. Allele origin: germline.
Comment: This sequence change replaces leucine, which is neutral and non-polar, with proline, which is neutral and non-polar, at codon 883 of the DNAH5 protein (p.Leu883Pro). This variant is not present in population databases (gnomAD no frequency). This missense change has been observed in individual(s) with clinical features of primary ciliary dyskinesia (Invitae). In at least one individual the data is consistent with being in trans (on the opposite chromosome) from a pathogenic variant. ClinVar contains an entry for this variant (Variation ID: 1056081). Advanced modeling of protein sequence and biophysical properties (such as structural, functional, and spatial information, amino acid conservation, physicochemical variation, residue mobility, and thermodynamic stability) performed at Invitae indicates that this missense variant is not expected to disrupt DNAH5 protein function with a negative predictive value of 95%. In summary, the available evidence is currently insufficient to determine the role of this variant in disease. Therefore, it has been classified as a Variant of Uncertain Significance.

NM_001369.3(DNAH5):c.2648T>C (p.Leu883Pro)

Genes: DNAH5 (dynein axonemal heavy chain 5; minus strand), DNAH5-AS1 (DNAH5 antisense RNA 1; plus strand). Cytogenetic location: 5p15.2.
Variant type: single nucleotide variant.
Coding change: c.2648T>C on transcript NM_001369.3 (MANE Select); coding-DNA position 2648, T replaced by C.
Protein change: p.Leu883Pro; replaces leucine 883 with proline.
Molecular consequence: missense variant.
Genome position (GRCh38, 1-based): chr5:13,886,059, A>G on the plus strand (T>C on the coding strand, the complement: DNAH5 is on the minus strand). VCF-style: chr5-13886059-A-G. GRCh37 (hg19) VCF-style: chr5-13886168-A-G.
Other names: short protein forms L883P.
Identifiers: ClinVar variation 1056081 (VCV001056081.7), dbSNP rs2151943048, ClinGen allele CA359196537.